The following is an entry in ClinVar:

NM_003722.5(TP63):c.1530G>T (p.Met510Ile)

Gene: TP63 (tumor protein p63; plus strand). Cytogenetic location: 3q28.
Variant type: single nucleotide variant.
Coding change: c.1530G>T on transcript NM_003722.5 (MANE Select); coding-DNA position 1530, G replaced by T.
Protein change: p.Met510Ile; replaces methionine 510 with isoleucine.
Molecular consequence: missense variant. On other transcripts: intron variant (4).
Genome position (GRCh38, 1-based): chr3:189,889,362, G>T. VCF-style: chr3-189889362-G-T. GRCh37 (hg19) VCF-style: chr3-189607151-G-T.
Other names: c.1530G>T, p.Met510Ile (NM_001114978.2); c.1248G>T, p.Met416Ile (NM_001114980.2, NM_001114981.2); c.993G>T, p.Met331Ile (NM_001329146.2); c.1518G>T, p.Met506Ile (NM_001329148.2); c.1524G>T, p.Met508Ile (NM_001329964.2); c.1507+2811G>T (NM_001329144.2); c.1225+2811G>T (NM_001329145.2); c.1213+2811G>T (NM_001329149.2); and 2 more; short protein forms M331I, M506I, M510I, M508I, M416I.
Identifiers: ClinVar variation 1402802 (VCV001402802.11), dbSNP rs200578530, ClinGen allele CA2752517.

ClinVar aggregate classification (germline): Uncertain significance. Review status: criteria provided, multiple submitters, no conflicts (2 of 4 stars). 4 submissions from 4 submitters: Uncertain significance (4). Last evaluated 2025-06-18.

Conditions:
TP63-Related Spectrum Disorders.
Bladder exstrophy-epispadias-cloacal exstrophy complex. Also called: Exstrophy of the bladder-epispadias; Bladder exstrophy and epispadias complex; Bladder exstrophy-epispadias-cloacal extrophy complex. Identifiers: Orphanet 93930, MedGen C1838703, MONDO:0700039, OMIM 600057.
Inborn genetic diseases. Identifiers: MedGen C0950123, MeSH D030342.

Allele frequency attached by ClinVar (database versions not stated): gnomAD 0.00005; TOPMed 0.00014; 1000 Genomes Project 0.00020; 1000 Genomes Project 30x 0.00031; ExAC 0.00001.
gnomAD v4.1: 15 of 1,614,108 alleles (0.00093%); highest among the groups gnomAD compares: Admixed American, 0.02%; no homozygotes.

Submissions (4):

Ambry Genetics
Classification: Uncertain significance for Inborn genetic diseases. Last evaluated: 2025-06-18. Review status: criteria provided, single submitter. Criteria: Ambry Variant Classification Scheme 2023. Collection method: clinical testing. Allele origin: germline.

Labcorp Genetics (formerly Invitae), Labcorp
Classification: Uncertain significance. Last evaluated: 2024-07-19. Review status: criteria provided, single submitter. Criteria: Invitae Variant Classification Sherloc (09022015). Collection method: clinical testing. Allele origin: germline.
Comment: This sequence change replaces methionine, which is neutral and non-polar, with isoleucine, which is neutral and non-polar, at codon 510 of the TP63 protein (p.Met510Ile). This variant is present in population databases (rs200578530, gnomAD 0.003%). This variant has not been reported in the literature in individuals affected with TP63-related conditions. ClinVar contains an entry for this variant (Variation ID: 1402802). Advanced modeling performed at Invitae incorporating data from internal and/or published experimental studies (Invitae) indicates that this missense variant is not expected to disrupt TP63 function with a negative predictive value of 80%. In summary, the available evidence is currently insufficient to determine the role of this variant in disease. Therefore, it has been classified as a Variant of Uncertain Significance.

Breakthrough Genomics
Classification: Uncertain significance. Review status: criteria provided, single submitter. Criteria: ACMG Guidelines, 2015. Collection method: not provided. Allele origin: germline. Inheritance: Autosomal dominant inheritance. Affected: yes.

Obstetrics and Gynecology Department, Johns Hopkins School Of Medicine
Classification: Uncertain significance for Bladder exstrophy-epispadias-cloacal exstrophy complex. Review status: criteria provided, single submitter. Criteria: ACMG Guidelines, 2015. Collection method: research. Allele origin: unknown. Affected: yes.